The following is an entry in ClinVar:

ClinVar aggregate classification (germline): Uncertain significance (1 of 4 stars; one submission).

Submission:

Labcorp Genetics (formerly Invitae), Labcorp
Classification: Uncertain significance. Last evaluated: 2022-05-03. Review status: criteria provided, single submitter. Criteria: Invitae Variant Classification Sherloc (09022015). Collection method: clinical testing. Allele origin: germline.
Comment: In summary, the available evidence is currently insufficient to determine the role of this variant in disease. Therefore, it has been classified as a Variant of Uncertain Significance. This variant has not been reported in the literature in individuals affected with SLC25A12-related conditions. This variant results in a copy number gain of the genomic region encompassing exon(s) 1-11 of the SLC25A12 gene. This region includes the initiator codon of the gene. This copy number gain extends beyond the assayed region for this gene and therefore may encompass additional genes. As the precise location of this event is unknown, it may be in tandem or it may be located elsewhere in the genome.

NC_000002.11:g.(?_172669829)_(172750724_?)dup

Gene: SLC25A12 (solute carrier family 25 member 12; minus strand). Cytogenetic location: 2q31.1.
Variant type: Duplication.
Identifiers: ClinVar variation 2424735 (VCV002424735.4).